The following is an entry in ClinVar:

NM_000053.4(ATP7B):c.1750T>G (p.Ser584Ala)

Gene: ATP7B (ATPase copper transporting beta; minus strand). Cytogenetic location: 13q14.3.
Variant type: single nucleotide variant.
Coding change: c.1750T>G on transcript NM_000053.4 (MANE Select); coding-DNA position 1750, T replaced by G.
Protein change: p.Ser584Ala; replaces serine 584 with alanine.
Molecular consequence: missense variant. On other transcripts: intron variant (3).
Genome position (GRCh38, 1-based): chr13:51,964,991, A>C on the plus strand (T>G on the coding strand, the complement: ATP7B is on the minus strand). VCF-style: chr13-51964991-A-C. GRCh37 (hg19) VCF-style: chr13-52539127-A-C.
Other names: c.1750T>G, p.Ser584Ala (NM_001005918.3, NM_001330578.2, NM_001330579.2 and 24 more transcripts); c.1417T>G, p.Ser473Ala (NM_001243182.2); c.1717T>G, p.Ser573Ala (NM_001406514.1, NM_001406524.1); c.1654T>G, p.Ser552Ala (NM_001406517.1, NM_001406518.1, NM_001406530.1 and 3 more transcripts); c.1321T>G, p.Ser441Ala (NM_001406539.1); c.1285+8944T>G (NM_001406548.1); c.1707+3453T>G (NM_001406547.1, NM_001406545.1); short protein forms S473A, S573A, S441A, S584A, S552A.
Identifiers: ClinVar variation 3329678 (VCV003329678.1).

ClinVar aggregate classification (germline): Uncertain significance (1 of 4 stars; one submission).

Conditions:
Inborn genetic diseases. Identifiers: MedGen C0950123, MeSH D030342.

gnomAD v4.1: 1 of 1,614,060 alleles (0.000062%); highest among the groups gnomAD compares: Non-Finnish European, 0.000085%; no homozygotes.

Submission:

Ambry Genetics
Classification: Uncertain significance for Inborn genetic diseases. Last evaluated: 2024-05-02. Review status: criteria provided, single submitter. Criteria: Ambry Variant Classification Scheme 2023. Collection method: clinical testing. Allele origin: germline.
Comment: The p.S584A variant (also known as c.1750T>G), located in coding exon 5 of the ATP7B gene, results from a T to G substitution at nucleotide position 1750. The serine at codon 584 is replaced by alanine, an amino acid with similar properties. This amino acid position is conserved. In addition, the in silico prediction for this alteration is inconclusive. Based on the available evidence, the clinical significance of this variant remains unclear.